The following is an entry in ClinVar:

ClinVar aggregate classification (germline): Uncertain significance (1 of 4 stars; one submission).

Conditions:
Cataract 23 (CTRCT23). Also called: CATARACT 23, LAMELLAR; Cataract 23, multiple types. Identifiers: Orphanet 91492, MedGen C3808012, MONDO:0012489, OMIM 610425.

Submission:

Laboratorio de Genetica e Diagnostico Molecular, Hospital Israelita Albert Einstein
Classification: Uncertain significance for Cataract 23. Last evaluated: 2025-06-11. Review status: criteria provided, single submitter. Criteria: ACMG Guidelines, 2015. Collection method: clinical testing. Allele origin: germline. Affected: yes.
Comment: ACMG classification criteria: PM2 supporting, PP3 supporting

NM_001886.3(CRYBA4):c.386T>C (p.Leu129Pro)

Gene: CRYBA4 (crystallin beta A4; plus strand). Cytogenetic location: 22q12.1.
Variant type: single nucleotide variant.
Coding change: c.386T>C on transcript NM_001886.3 (MANE Select); coding-DNA position 386, T replaced by C.
Protein change: p.Leu129Pro; replaces leucine 129 with proline.
Molecular consequence: missense variant.
Genome position (GRCh38, 1-based): chr22:26,628,373, T>C. VCF-style: chr22-26628373-T-C. GRCh37 (hg19) VCF-style: chr22-27024337-T-C.
Other names: short protein forms L129P.
Identifiers: ClinVar variation 4847004 (VCV004847004.1).
Genomic context (GRCh38, chr22:26,628,373, plus strand): 5'-TCTTCGAGCAAGAGAACTTCCTGGGCAAGAAAGGAGAGCTGAGCGATGACTATCCTTCCC[T>C]CCAGGCCATGGGATGGGAAGGCAATGAAGTAGGGTCCTTCCACGTCCACTCTGGGGCGTA-3'
Protein context (NP_001877.1, residues 119-139): KGELSDDYPS[Leu129Pro]QAMGWEGNEV